The following is an entry in ClinVar:

NM_032861.4(SERAC1):c.493C>T (p.Gln165Ter)

Gene: SERAC1 (serine active site containing 1; minus strand). Cytogenetic location: 6q25.3.
Variant type: single nucleotide variant.
Coding change: c.493C>T on transcript NM_032861.4 (MANE Select); coding-DNA position 493, C replaced by T.
Protein change: p.Gln165Ter; replaces glutamine 165 with a stop codon.
Molecular consequence: nonsense. On other transcripts: non-coding transcript variant (1).
Genome position (GRCh38, 1-based): chr6:158,144,415, G>A on the plus strand (C>T on the coding strand, the complement: SERAC1 is on the minus strand). VCF-style: chr6-158144415-G-A. GRCh37 (hg19) VCF-style: chr6-158565447-G-A.
Other names: short protein forms Q165*.
Identifiers: ClinVar variation 391193 (VCV000391193.2), dbSNP rs1057523999, ClinGen allele CA16604905.

ClinVar aggregate classification (germline): Pathogenic (1 of 4 stars; one submission).

Submission:

GeneDx
Classification: Pathogenic. Last evaluated: 2016-12-16. Review status: criteria provided, single submitter. Criteria: GeneDx Variant Classification (06012015). Collection method: clinical testing. Allele origin: germline. Affected: yes.
Comment: The Q165X variant in the SERAC1 gene has not been reported previously as a pathogenic variant nor as a benign variant, to our knowledge. This variant is predicted to cause loss of normal protein function either through protein truncation or nonsense-mediated mRNA decay. The Q165X variant was not observed in approximately 6500 individuals of European and African American ancestry in the NHLBI Exome Sequencing Project, indicating it is not a common benign variant in these populations. We interpret Q165X as a pathogenic variant.